The following is an entry in ClinVar:

ClinVar aggregate classification (germline): Uncertain significance (1 of 4 stars; one submission).

Conditions:
Arginase deficiency. Also called: ARGININEMIA; ARG1 DEFICIENCY; Arginase 1 Deficiency. Identifiers: Orphanet 90, MedGen C0268548, MONDO:0008814, OMIM 207800.

Submission:

Neuberg Centre For Genomic Medicine, NCGM
Classification: Uncertain significance for Arginase deficiency. Last evaluated: 2023-03-01. Review status: criteria provided, single submitter. Criteria: ACMG Guidelines, 2015. Collection method: clinical testing. Allele origin: germline. Inheritance: Autosomal dominant inheritance. Affected: yes.
Comment: The missense c.103G>A (p.Gly35Ser) variant in ARG1 gene has not been reported previously as a pathogenic variant nor as a benign variant, to our knowledge. The p.Gly35Ser variant is novel (not in any individuals) in gnomAD Exomes and 1000 Genomes. This variant has not been reported to the ClinVar database. The amino acid change p.Gly35Ser in ARG1 is predicted as conserved by GERP++ and PhyloP across 100 vertebrates. The amino acid Gly at position 35 is changed to a Ser changing protein sequence and it might alter its composition and physico-chemical properties. For these reasons, this variant has been classified as Variant of Uncertain Significance (VUS).

NM_000045.4(ARG1):c.103G>A (p.Gly35Ser)

Genes: ARG1 (arginase 1; plus strand), MED23 (mediator complex subunit 23; minus strand). Cytogenetic location: 6q23.2.
Variant type: single nucleotide variant.
Coding change: c.103G>A on transcript NM_000045.4 (MANE Select); coding-DNA position 103, G replaced by A.
Protein change: p.Gly35Ser; replaces glycine 35 with serine.
Molecular consequence: missense variant. On other transcripts: intron variant (2).
Genome position (GRCh38, 1-based): chr6:131,576,708, G>A. VCF-style: chr6-131576708-G-A. GRCh37 (hg19) VCF-style: chr6-131897848-G-A.
Other names: c.103G>A, p.Gly35Ser (NM_001244438.2, NM_001369020.1); c.4078-2413C>T (NM_001270521.2); c.4096-2413C>T (NM_015979.4); short protein forms G35S.
Identifiers: ClinVar variation 2671747 (VCV002671747.1), dbSNP rs2482334506, ClinGen allele CA365649812.
Genomic context (GRCh38, chr6:131,576,708, plus strand): 5'-TTTTTAATTGTTCAGCCACGAGGAGGGGTGGAAGAAGGCCCTACAGTATTGAGAAAGGCT[G>A]GTCTGCTTGAGAAACTTAAAGAACAAGGTAATTTTTAAGTTGAAAAATGATCAGCCTGAT-3'
Protein context (NP_000036.2, residues 25-45): EEGPTVLRKA[Gly35Ser]LLEKLKEQEC